The following is an entry in ClinVar:

NM_000093.5(COL5A1):c.4244T>C (p.Leu1415Ser)

Gene: COL5A1 (collagen type V alpha 1 chain; plus strand). Cytogenetic location: 9q34.3.
Variant type: single nucleotide variant.
Coding change: c.4244T>C on transcript NM_000093.5 (MANE Select); coding-DNA position 4244, T replaced by C.
Protein change: p.Leu1415Ser; replaces leucine 1415 with serine.
Molecular consequence: missense variant.
Genome position (GRCh38, 1-based): chr9:134,818,669, T>C. VCF-style: chr9-134818669-T-C. GRCh37 (hg19) VCF-style: chr9-137710515-T-C.
Other names: c.4244T>C, p.Leu1415Ser (NM_001278074.1); short protein forms L1415S.
Identifiers: ClinVar variation 4869239 (VCV004869239.1).

ClinVar aggregate classification (germline): Uncertain significance (1 of 4 stars; one submission).

Conditions:
Familial thoracic aortic aneurysm and aortic dissection (TAAD). Also called: Thoracic aortic aneurysms and dissections. Identifiers: Orphanet 91387, MedGen C4707243, MONDO:0019625.

Submission:

Ambry Genetics
Classification: Uncertain significance for Familial thoracic aortic aneurysm and aortic dissection. Last evaluated: 2026-04-02. Review status: criteria provided, single submitter. Criteria: Ambry Variant Classification Scheme 2023. Collection method: clinical testing. Allele origin: germline.
Comment: The p.L1415S variant (also known as c.4244T>C), located in coding exon 55 of the COL5A1 gene, results from a T to C substitution at nucleotide position 4244. The leucine at codon 1415 is replaced by serine, an amino acid with dissimilar properties. This amino acid position is conserved. In addition, the in silico prediction for this alteration is inconclusive. Based on the available evidence, the clinical significance of this variant remains unclear.